The following is an entry in ClinVar:

ClinVar aggregate classification (germline): Conflicting classifications of pathogenicity. Review status: criteria provided, conflicting classifications (1 of 4 stars). 5 submissions from 5 submitters: Uncertain significance (1); Likely benign (4). Last evaluated 2025-04-03.

Conditions:
SCAPER-related disorder. Also called: SCAPER-related condition.
Inborn genetic diseases. Identifiers: MedGen C0950123, MeSH D030342.

Allele frequency attached by ClinVar (database versions not stated): gnomAD exomes 0.00032 and 0.00059; ExAC 0.00036; TOPMed 0.00036; gnomAD 0.00037 and 0.00041; ESP Exome Variant Server 0.00024.
gnomAD v4.1: 896 of 1,613,868 alleles (0.056%); highest among the groups gnomAD compares: Non-Finnish European, 0.069%; 3 homozygotes.

Submissions (5):

Ambry Genetics
Classification: Uncertain significance for Inborn genetic diseases. Last evaluated: 2025-04-03. Review status: criteria provided, single submitter. Criteria: Ambry Variant Classification Scheme 2023. Collection method: clinical testing. Allele origin: germline.

PreventionGenetics, part of Exact Sciences
Classification: Likely benign for SCAPER-related condition. Last evaluated: 2025-02-19. Review status: criteria provided, single submitter. Criteria: ACMG Guidelines, 2015. Collection method: clinical testing. Allele origin: germline.
Comment: This variant is classified as likely benign based on ACMG/AMP sequence variant interpretation guidelines (Richards et al. 2015 PMID: 25741868, with internal and published modifications).

Blueprint Genetics
Classification: Likely benign. Last evaluated: 2024-11-11. Review status: criteria provided, single submitter. Criteria: ACMG Guidelines, 2015. Collection method: clinical testing. Allele origin: germline.

Labcorp Genetics (formerly Invitae), Labcorp
Classification: Likely benign. Last evaluated: 2019-12-31. Review status: criteria provided, single submitter. Criteria: Invitae Variant Classification Sherloc (09022015). Collection method: clinical testing. Allele origin: germline.

Breakthrough Genomics
Classification: Likely benign. Review status: criteria provided, single submitter. Criteria: ACMG Guidelines, 2015. Collection method: not provided. Allele origin: germline. Inheritance: Autosomal recessive inheritance. Affected: yes.

NM_020843.4(SCAPER):c.3811A>G (p.Ile1271Val)

Gene: SCAPER (S-phase cyclin A associated protein in the ER; minus strand). Cytogenetic location: 15q24.3.
Variant type: single nucleotide variant.
Coding change: c.3811A>G on transcript NM_020843.4 (MANE Select); coding-DNA position 3811, A replaced by G.
Protein change: p.Ile1271Val; replaces isoleucine 1271 with valine.
Molecular consequence: missense variant. On other transcripts: non-coding transcript variant (1).
Genome position (GRCh38, 1-based): chr15:76,376,206, T>C on the plus strand (A>G on the coding strand, the complement: SCAPER is on the minus strand). VCF-style: chr15-76376206-T-C. GRCh37 (hg19) VCF-style: chr15-76668547-T-C.
Other names: c.3073A>G, p.Ile1025Val (NM_001145923.2); c.3829A>G, p.Ile1277Val (NM_001353009.2); c.3409A>G, p.Ile1137Val (NM_001353010.2, NM_001353012.2); c.3427A>G, p.Ile1143Val (NM_001353011.2); c.3829A>G (NM_001353009.1); short protein forms I1143V, I1137V, I1025V, I1271V, I1277V.
Identifiers: ClinVar variation 733361 (VCV000733361.11), dbSNP rs199940124, ClinGen allele CA7674357.